The following is an entry in ClinVar:

ClinVar aggregate classification (germline): Likely benign. Review status: criteria provided, multiple submitters, no conflicts (2 of 4 stars). 5 submissions from 5 submitters: Likely benign (4). 1 of the submissions does not count toward it. Last evaluated 2026-01-31.

Conditions:
PACS2-related disorder. Also called: PACS2-related condition.

Allele frequency attached by ClinVar (database versions not stated): 1000 Genomes Project 30x 0.00016; ExAC 0.00016; TOPMed 0.00040; gnomAD 0.00042 and 0.00043; 1000 Genomes Project 0.00060.
gnomAD v4.1: 801 of 1,614,080 alleles (0.05%); highest among the groups gnomAD compares: Non-Finnish European, 0.064%; 1 homozygote.

Submissions (5):

Labcorp Genetics (formerly Invitae), Labcorp
Classification: Likely benign. Last evaluated: 2026-01-31. Review status: criteria provided, single submitter. Criteria: Invitae Variant Classification Sherloc (09022015). Collection method: clinical testing. Allele origin: germline.

Blueprint Genetics
Classification: Likely benign. Last evaluated: 2024-11-07. Review status: criteria provided, single submitter. Criteria: ACMG Guidelines, 2015. Collection method: clinical testing. Allele origin: germline.

CeGaT Center for Human Genetics Tuebingen
Classification: Likely benign. Last evaluated: 2024-11-01. Review status: criteria provided, single submitter. Criteria: CeGaT Center For Human Genetics Tuebingen Variant Classification Criteria Version 2. Collection method: clinical testing. Allele origin: germline. Affected: yes. Observed: 4 variant alleles.
Comment: PACS2: BP4, BP7

Breakthrough Genomics
Classification: Likely benign. Review status: criteria provided, single submitter. Criteria: ACMG Guidelines, 2015. Collection method: not provided. Allele origin: germline. Inheritance: Autosomal dominant inheritance. Affected: yes.

PreventionGenetics, part of Exact Sciences
Classification: Likely benign for PACS2-related condition. Last evaluated: 2019-03-04. Review status: no assertion criteria provided. Collection method: clinical testing. Allele origin: germline. Not counted in ClinVar's aggregate classification.
Comment: This variant is classified as likely benign based on ACMG/AMP sequence variant interpretation guidelines (Richards et al. 2015 PMID: 25741868, with internal and published modifications).

NM_001100913.3(PACS2):c.690G>A (p.Gly230=)

Gene: PACS2 (phosphofurin acidic cluster sorting protein 2; plus strand). Cytogenetic location: 14q32.33.
Variant type: single nucleotide variant.
Coding change: c.690G>A on transcript NM_001100913.3 (MANE Select); coding-DNA position 690, G replaced by A.
Protein change: p.Gly230=; no amino-acid change (glycine 230 retained).
Molecular consequence: synonymous variant.
Genome position (GRCh38, 1-based): chr14:105,368,488, G>A. VCF-style: chr14-105368488-G-A. GRCh37 (hg19) VCF-style: chr14-105834825-G-A.
Other names: c.690G>A (NM_001100913.2); c.489G>A, p.Gly163= (NM_001243127.3); c.690G>A, p.Gly230= (NM_015197.4).
Identifiers: ClinVar variation 1650412 (VCV001650412.34), dbSNP rs587610730, ClinGen allele CA7388508.